The following is an entry in ClinVar:

NM_004369.4(COL6A3):c.9175G>T (p.Val3059Phe)

Gene: COL6A3 (collagen type VI alpha 3 chain; minus strand). Cytogenetic location: 2q37.3.
Variant type: single nucleotide variant.
Coding change: c.9175G>T on transcript NM_004369.4 (MANE Select); coding-DNA position 9175, G replaced by T.
Protein change: p.Val3059Phe; replaces valine 3059 with phenylalanine.
Molecular consequence: missense variant.
Genome position (GRCh38, 1-based): chr2:237,334,680, C>A on the plus strand (G>T on the coding strand, the complement: COL6A3 is on the minus strand). VCF-style: chr2-237334680-C-A. GRCh37 (hg19) VCF-style: chr2-238243323-C-A.
Other names: c.7354G>T, p.Val2452Phe (NM_057166.5); c.8557G>T, p.Val2853Phe (NM_057167.4); short protein forms V3059F, V2452F, V2853F.
Identifiers: ClinVar variation 2185491 (VCV002185491.5), dbSNP rs756538636, ClinGen allele CA2187339.
Genomic context (GRCh38, chr2:237,334,680, plus strand): 5'-ACTTACTTGTACTGAAACTTCCGTGGTAGGTGGCTCTGACCTGAGACCTCAGGTAGCAGA[C>A]CACAGCCACATGGTATGTCTGCCCAGCGAGCAGGCCTCCAATGACGCGGTCCGTGACCGT-3'
Protein context (NP_004360.2, residues 3049-3069): LAGQTYHVAV[Val3059Phe]CYLRSQVRAT

ClinVar aggregate classification (germline): Uncertain significance. Review status: criteria provided, multiple submitters, no conflicts (2 of 4 stars). 2 submissions from 2 submitters: Uncertain significance (2). Last evaluated 2024-10-06.

Conditions:
Inborn genetic diseases. Identifiers: MedGen C0950123, MeSH D030342.
Bethlem myopathy 1A. Also called: Bethlem Muscular Dystrophy; MYOPATHY, BENIGN CONGENITAL, WITH CONTRACTURES; Bethlem myopathy 1. Identifiers: Orphanet 610, MedGen CN029274, MONDO:0024530, OMIM 158810.

Allele frequency attached by ClinVar (database versions not stated): gnomAD exomes below 0.00001; ExAC 0.00001; gnomAD 0.00001; TOPMed 0.00001.

Submissions (2):

Ambry Genetics
Classification: Uncertain significance for Inborn genetic diseases. Last evaluated: 2024-10-06. Review status: criteria provided, single submitter. Criteria: Ambry Variant Classification Scheme 2023. Collection method: clinical testing. Allele origin: germline.

Labcorp Genetics (formerly Invitae), Labcorp
Classification: Uncertain significance for Bethlem myopathy 1A. Last evaluated: 2022-01-07. Review status: criteria provided, single submitter. Criteria: Invitae Variant Classification Sherloc (09022015). Collection method: clinical testing. Allele origin: germline.
Comment: In summary, the available evidence is currently insufficient to determine the role of this variant in disease. Therefore, it has been classified as a Variant of Uncertain Significance. This sequence change replaces valine, which is neutral and non-polar, with phenylalanine, which is neutral and non-polar, at codon 3059 of the COL6A3 protein (p.Val3059Phe). This variant is present in population databases (rs756538636, gnomAD 0.0009%). This variant has not been reported in the literature in individuals affected with COL6A3-related conditions. Advanced modeling of protein sequence and biophysical properties (such as structural, functional, and spatial information, amino acid conservation, physicochemical variation, residue mobility, and thermodynamic stability) performed at Invitae indicates that this missense variant is not expected to disrupt COL6A3 protein function.